The following is an entry in ClinVar:

NM_003105.6(SORL1):c.441A>C (p.Lys147Asn)

Genes: SORL1 (sortilin related receptor 1; plus strand), LOC105369535 (uncharacterized LOC105369535; minus strand). Cytogenetic location: 11q24.1.
Variant type: single nucleotide variant.
Coding change: c.441A>C on transcript NM_003105.6 (MANE Select); coding-DNA position 441, A replaced by C.
Protein change: p.Lys147Asn; replaces lysine 147 with asparagine.
Molecular consequence: missense variant.
Genome position (GRCh38, 1-based): chr11:121,478,156, A>C. VCF-style: chr11-121478156-A-C. GRCh37 (hg19) VCF-style: chr11-121348865-A-C.
Other names: short protein forms K147N.
Identifiers: ClinVar variation 1515918 (VCV001515918.6), dbSNP rs2134793869, ClinGen allele CA383285338.

ClinVar aggregate classification (germline): Uncertain significance (1 of 4 stars; one submission).

Submission:

Labcorp Genetics (formerly Invitae), Labcorp
Classification: Uncertain significance. Last evaluated: 2021-08-31. Review status: criteria provided, single submitter. Criteria: Invitae Variant Classification Sherloc (09022015). Collection method: clinical testing. Allele origin: germline.
Comment: This variant is not present in population databases (ExAC no frequency). This sequence change replaces lysine with asparagine at codon 147 of the SORL1 protein (p.Lys147Asn). The lysine residue is moderately conserved and there is a moderate physicochemical difference between lysine and asparagine. This variant has not been reported in the literature in individuals affected with SORL1-related conditions. Algorithms developed to predict the effect of missense changes on protein structure and function (SIFT, PolyPhen-2, Align-GVGD) all suggest that this variant is likely to be tolerated. In summary, the available evidence is currently insufficient to determine the role of this variant in disease. Therefore, it has been classified as a Variant of Uncertain Significance.